The following is an entry in ClinVar:

ClinVar aggregate classification (germline): Uncertain significance. Review status: criteria provided, multiple submitters, no conflicts (2 of 4 stars). 3 submissions from 3 submitters: Uncertain significance (3). Last evaluated 2025-01-08.

Conditions:
Inborn genetic diseases. Identifiers: MedGen C0950123, MeSH D030342.
Mitochondrial trifunctional protein deficiency. Identifiers: Orphanet 746, MedGen C1969443, MONDO:0012172.
Long chain 3-hydroxyacyl-CoA dehydrogenase deficiency. Also called: LCHAD Deficiency; Deficiency of long-chain 3-hydroxyacyl-coenzyme A dehydrogenase. Identifiers: Orphanet 5, MedGen C3711645, MONDO:0012173, OMIM 609016.

Allele frequency attached by ClinVar (database versions not stated): gnomAD 0.00001; gnomAD exomes 0.00001; TOPMed 0.00001.
gnomAD v4.1: 13 of 1,600,722 alleles (0.00081%); highest among the groups gnomAD compares: Non-Finnish European, 0.00094%; no homozygotes.

Submissions (3):

GeneDx
Classification: Uncertain significance. Last evaluated: 2025-01-08. Review status: criteria provided, single submitter. Criteria: GeneDx Variant Classification Process June 2021. Collection method: clinical testing. Allele origin: germline. Affected: yes.
Comment: Not observed at significant frequency in large population cohorts (gnomAD); In silico analysis indicates that this missense variant does not alter protein structure/function; Has not been previously published as pathogenic or benign to our knowledge

Ambry Genetics
Classification: Uncertain significance for Inborn genetic diseases. Last evaluated: 2024-07-09. Review status: criteria provided, single submitter. Criteria: Ambry Variant Classification Scheme 2023. Collection method: clinical testing. Allele origin: germline.

Labcorp Genetics (formerly Invitae), Labcorp
Classification: Uncertain significance for Mitochondrial trifunctional protein deficiency; Long chain 3-hydroxyacyl-CoA dehydrogenase deficiency. Last evaluated: 2022-05-20. Review status: criteria provided, single submitter. Criteria: Invitae Variant Classification Sherloc (09022015). Collection method: clinical testing. Allele origin: germline.
Comment: This sequence change replaces isoleucine, which is neutral and non-polar, with valine, which is neutral and non-polar, at codon 25 of the HADHA protein (p.Ile25Val). This variant is present in population databases (no rsID available, gnomAD 0.003%). This variant has not been reported in the literature in individuals affected with HADHA-related conditions. Advanced modeling of protein sequence and biophysical properties (such as structural, functional, and spatial information, amino acid conservation, physicochemical variation, residue mobility, and thermodynamic stability) performed at Invitae indicates that this missense variant is not expected to disrupt HADHA protein function. Algorithms developed to predict the effect of sequence changes on RNA splicing suggest that this variant may create or strengthen a splice site. In summary, the available evidence is currently insufficient to determine the role of this variant in disease. Therefore, it has been classified as a Variant of Uncertain Significance.

NM_000182.5(HADHA):c.73A>G (p.Ile25Val)

Gene: HADHA (hydroxyacyl-CoA dehydrogenase trifunctional multienzyme complex subunit alpha; minus strand). Cytogenetic location: 2p23.3.
Variant type: single nucleotide variant.
Coding change: c.73A>G on transcript NM_000182.5 (MANE Select); coding-DNA position 73, A replaced by G.
Protein change: p.Ile25Val; replaces isoleucine 25 with valine.
Molecular consequence: missense variant.
Genome position (GRCh38, 1-based): chr2:26,239,138, T>C on the plus strand (A>G on the coding strand, the complement: HADHA is on the minus strand). VCF-style: chr2-26239138-T-C. GRCh37 (hg19) VCF-style: chr2-26462006-T-C.
Other names: c.73A>G (NM_000182.4); short protein forms I25V.
Identifiers: ClinVar variation 2074641 (VCV002074641.3), dbSNP rs1424927571, ClinGen allele CA346095957.
Genomic context (GRCh38, chr2:26,239,138, plus strand): 5'-ACATTAAAAAGAAATTAAACTTACTCAGCAAAGCAGAAGACCCTGTAAAATTGCGGCATA[T>C]ATAACCTGTAAGAAAAGACATTTCAAAATTAATTTGCGAAACAATTTCTGTAGTACCTTT-3'
Protein context (NP_000173.2, residues 15-35): AFRILRSRGY[Ile25Val]CRNFTGSSAL